The following is an entry in ClinVar:

NM_173598.6(KSR2):c.606G>A (p.Pro202=)

Gene: KSR2 (kinase suppressor of ras 2; minus strand). Cytogenetic location: 12q24.23.
Variant type: single nucleotide variant.
Coding change: c.606G>A on transcript NM_173598.6 (MANE Select); coding-DNA position 606, G replaced by A.
Protein change: p.Pro202=; no amino-acid change (proline 202 retained).
Molecular consequence: synonymous variant.
Genome position (GRCh38, 1-based): chr12:117,761,391, C>T on the plus strand (G>A on the coding strand, the complement: KSR2 is on the minus strand). VCF-style: chr12-117761391-C-T. GRCh37 (hg19) VCF-style: chr12-118199196-C-T.
Identifiers: ClinVar variation 4995219 (VCV004995219.1).

ClinVar aggregate classification (germline): Likely benign (1 of 4 stars; one submission).

Conditions:
KSR2-related disorder. Also called: KSR2-related condition.

gnomAD v4.1: 1 of 1,607,074 alleles (0.000062%); highest among the groups gnomAD compares: South Asian, 0.0011%; no homozygotes.

Submission:

PreventionGenetics, part of Exact Sciences
Classification: Likely benign for KSR2-related condition. Last evaluated: 2025-10-23. Review status: criteria provided, single submitter. Criteria: ACMG Guidelines, 2015. Collection method: clinical testing. Allele origin: germline.
Comment: This variant is classified as likely benign based on ACMG/AMP sequence variant interpretation guidelines (Richards et al. 2015 PMID: 25741868, with internal and published modifications).